The following is an entry in ClinVar:

NM_002850.4(PTPRS):c.1797G>A (p.Pro599=)

Gene: PTPRS (protein tyrosine phosphatase receptor type S; minus strand). Cytogenetic location: 19p13.3.
Variant type: single nucleotide variant.
Coding change: c.1797G>A on transcript NM_002850.4 (MANE Select); coding-DNA position 1797, G replaced by A.
Protein change: p.Pro599=; no amino-acid change (proline 599 retained).
Molecular consequence: synonymous variant.
Genome position (GRCh38, 1-based): chr19:5,238,971, C>T on the plus strand (G>A on the coding strand, the complement: PTPRS is on the minus strand). VCF-style: chr19-5238971-C-T. GRCh37 (hg19) VCF-style: chr19-5238982-C-T.
Other names: c.1758G>A, p.Pro586= (NM_001394011.1, NM_001394012.1, NM_001394013.1 and 2 more transcripts); c.1770G>A, p.Pro590= (NM_130855.3).
Identifiers: ClinVar variation 3052630 (VCV003052630.2), dbSNP rs200933180, ClinGen allele CA9110212.

ClinVar aggregate classification (germline): Likely benign (0 of 4 stars; one submission).

Conditions:
PTPRS-related disorder. Also called: PTPRS-related condition.

Allele frequency attached by ClinVar (database versions not stated): ExAC 0.00004; TOPMed 0.00008; 1000 Genomes Project 30x 0.00016; 1000 Genomes Project 0.00040.
gnomAD v4.1: 77 of 1,612,504 alleles (0.0048%); highest among the groups gnomAD compares: East Asian, 0.029%; no homozygotes.

Submission:

PreventionGenetics, part of Exact Sciences
Classification: Likely benign for PTPRS-related condition. Last evaluated: 2019-08-19. Review status: no assertion criteria provided. Collection method: clinical testing. Allele origin: germline.
Comment: This variant is classified as likely benign based on ACMG/AMP sequence variant interpretation guidelines (Richards et al. 2015 PMID: 25741868, with internal and published modifications).